The following is an entry in ClinVar:

NM_000717.5(CA4):c.700G>A (p.Val234Ile)

Gene: CA4 (carbonic anhydrase 4; plus strand). Cytogenetic location: 17q23.1.
Variant type: single nucleotide variant.
Coding change: c.700G>A on transcript NM_000717.5 (MANE Select); coding-DNA position 700, G replaced by A.
Protein change: p.Val234Ile; replaces valine 234 with isoleucine.
Molecular consequence: missense variant. On other transcripts: non-coding transcript variant (1).
Genome position (GRCh38, 1-based): chr17:60,158,402, G>A. VCF-style: chr17-60158402-G-A. GRCh37 (hg19) VCF-style: chr17-58235763-G-A.
Other names: short protein forms V234I.
Identifiers: ClinVar variation 100558 (VCV000100558.51), dbSNP rs117704637, ClinGen allele CA203431.

ClinVar aggregate classification (germline): Benign/Likely benign. Review status: criteria provided, multiple submitters, no conflicts (2 of 4 stars). 8 submissions from 8 submitters: Benign (6); Likely benign (1). 1 of the submissions does not count toward it. Last evaluated 2026-06-01.

Conditions:
Retinitis pigmentosa (RP). Identifiers: Orphanet 791, MedGen C0035334, MeSH D012174, MONDO:0019200, OMIM 268000. Inheritance: Autosomal dominant, autosomal recessive and X linked inheritance.

Allele frequency attached by ClinVar (database versions not stated): 1000 Genomes Project 0.00280; 1000 Genomes Project 30x 0.00328; TOPMed 0.00914; gnomAD 0.01020 and 0.01071; ExAC 0.01105; ESP Exome Variant Server 0.01299.
gnomAD v4.1: 22,263 of 1,614,080 alleles (1.4%); highest among the groups gnomAD compares: Non-Finnish European, 1.7%; 209 homozygotes.

Submissions (24):

CeGaT Center for Human Genetics Tuebingen
Classification: Benign. Last evaluated: 2026-06-01. Review status: criteria provided, single submitter. Criteria: CeGaT Center For Human Genetics Tuebingen Variant Classification Criteria Version 2. Collection method: clinical testing. Allele origin: germline. Affected: yes. Observed: 7 variant alleles.
Comment: CA4: BP4, BS1, BS2

Labcorp Genetics (formerly Invitae), Labcorp
Classification: Benign. Last evaluated: 2026-02-02. Review status: criteria provided, single submitter. Criteria: Invitae Variant Classification Sherloc (09022015). Collection method: clinical testing. Allele origin: germline.

ARUP Laboratories, Molecular Genetics and Genomics, ARUP Laboratories
Classification: Likely benign. Last evaluated: 2023-11-09. Review status: criteria provided, single submitter. Criteria: ARUP Molecular Germline Variant Investigation Process 2024. Collection method: clinical testing. Allele origin: germline.

Illumina Laboratory Services, Illumina
Classification: Benign for Retinitis pigmentosa. Last evaluated: 2018-01-12. Review status: criteria provided, single submitter. Criteria: ICSL Variant Classification Criteria 13 December 2019. Collection method: clinical testing. Allele origin: germline.
Comment: This variant was observed in the ICSL laboratory as part of a predisposition screen in an ostensibly healthy population. It had not been previously curated by ICSL or reported in the Human Gene Mutation Database (HGMD: prior to June 1st, 2018), and was therefore a candidate for classification through an automated scoring system. Utilizing variant allele frequency, disease prevalence and penetrance estimates, and inheritance mode, an automated score was calculated to assess if this variant is too frequent to cause the disease. Based on the score and internal cut-off values, a variant classified as benign is not then subjected to further curation. The score for this variant resulted in a classification of benign for this disease.

Genomic Diagnostic Laboratory, Division of Genomic Diagnostics, Children's Hospital of Philadelphia
Classification: Benign. Last evaluated: 2015-08-10. Review status: criteria provided, single submitter. Criteria: DGD Variant Analysis Guidelines. Collection method: clinical testing. Allele origin: unknown.

Eurofins Ntd Llc (ga)
Classification: Benign. Last evaluated: 2014-11-11. Review status: criteria provided, single submitter. Criteria: EGL Classification Definitions 2015. Collection method: clinical testing. Allele origin: germline. Observed: 1 variant allele, 1 heterozygote.

Breakthrough Genomics
Classification: Benign. Review status: criteria provided, single submitter. Criteria: ACMG Guidelines, 2015. Collection method: not provided. Allele origin: germline. Inheritance: Unknown mechanism. Affected: yes.

Dr. Peter K. Rogan Lab, Western University
No classification provided (evidence only). Condition: Clear cell carcinoma of kidney. Review status: no classification provided. Collection method: in vitro. Allele origin: not applicable. Functional consequence: retained intron. Not counted in ClinVar's aggregate classification.

Dr. Peter K. Rogan Lab, Western University
No classification provided (evidence only). Condition: Clear cell carcinoma of kidney. Review status: no classification provided. Collection method: in vitro. Allele origin: not applicable. Functional consequence: retained intron. Not counted in ClinVar's aggregate classification.

Dr. Peter K. Rogan Lab, Western University
No classification provided (evidence only). Condition: Clear cell carcinoma of kidney. Review status: no classification provided. Collection method: in vitro. Allele origin: not applicable. Functional consequence: retained intron. Not counted in ClinVar's aggregate classification.

Dr. Peter K. Rogan Lab, Western University
No classification provided (evidence only). Condition: Lung cancer. Review status: no classification provided. Collection method: in vitro. Allele origin: not applicable. Functional consequence: retained intron. Not counted in ClinVar's aggregate classification.

Dr. Peter K. Rogan Lab, Western University
No classification provided (evidence only). Condition: Lung cancer. Review status: no classification provided. Collection method: in vitro. Allele origin: not applicable. Functional consequence: retained intron. Not counted in ClinVar's aggregate classification.

Dr. Peter K. Rogan Lab, Western University
No classification provided (evidence only). Condition: Lung cancer. Review status: no classification provided. Collection method: in vitro. Allele origin: not applicable. Functional consequence: retained intron. Not counted in ClinVar's aggregate classification.

Dr. Peter K. Rogan Lab, Western University
No classification provided (evidence only). Condition: Thyroid cancer, nonmedullary, 1. Review status: no classification provided. Collection method: in vitro. Allele origin: not applicable. Functional consequence: retained intron. Not counted in ClinVar's aggregate classification.

Dr. Peter K. Rogan Lab, Western University
No classification provided (evidence only). Condition: Sarcoma. Review status: no classification provided. Collection method: in vitro. Allele origin: not applicable. Functional consequence: retained intron. Not counted in ClinVar's aggregate classification.

Dr. Peter K. Rogan Lab, Western University
No classification provided (evidence only). Condition: Hepatocellular carcinoma. Review status: no classification provided. Collection method: in vitro. Allele origin: not applicable. Functional consequence: retained intron. Not counted in ClinVar's aggregate classification.

Dr. Peter K. Rogan Lab, Western University
No classification provided (evidence only). Condition: Nonpapillary renal cell carcinoma. Review status: no classification provided. Collection method: in vitro. Allele origin: not applicable. Functional consequence: retained intron. Not counted in ClinVar's aggregate classification.

Dr. Peter K. Rogan Lab, Western University
No classification provided (evidence only). Condition: Thymoma. Review status: no classification provided. Collection method: in vitro. Allele origin: not applicable. Functional consequence: retained intron. Not counted in ClinVar's aggregate classification.

Dr. Peter K. Rogan Lab, Western University
No classification provided (evidence only). Condition: Cholangiocarcinoma. Review status: no classification provided. Collection method: in vitro. Allele origin: not applicable. Functional consequence: retained intron. Not counted in ClinVar's aggregate classification.

Dr. Peter K. Rogan Lab, Western University
No classification provided (evidence only). Condition: Ovarian serous cystadenocarcinoma. Review status: no classification provided. Collection method: in vitro. Allele origin: not applicable. Functional consequence: retained intron. Not counted in ClinVar's aggregate classification.

Dr. Peter K. Rogan Lab, Western University
No classification provided (evidence only). Condition: Ovarian serous cystadenocarcinoma. Review status: no classification provided. Collection method: in vitro. Allele origin: not applicable. Functional consequence: retained intron. Not counted in ClinVar's aggregate classification.

Dr. Peter K. Rogan Lab, Western University
No classification provided (evidence only). Condition: Uterine carcinosarcoma. Review status: no classification provided. Collection method: in vitro. Allele origin: not applicable. Functional consequence: retained intron. Not counted in ClinVar's aggregate classification.

Dr. Peter K. Rogan Lab, Western University
No classification provided (evidence only). Condition: Malignant tumor of esophagus. Review status: no classification provided. Collection method: in vitro. Allele origin: not applicable. Functional consequence: retained intron. Not counted in ClinVar's aggregate classification.

NEI Ophthalmic Genomics Laboratory, National Institutes of Health
No classification provided. Review status: no classification provided. Collection method: not provided. Allele origin: not provided. Not counted in ClinVar's aggregate classification.